The following is an entry in ClinVar:

NM_000424.4(KRT5):c.607C>A (p.Leu203Met)

Genes: KRT5 (keratin 5; minus strand), LOC126861526 (BRD4-independent group 4 enhancer GRCh37_chr12:52912066-52913265; plus strand). Cytogenetic location: 12q13.13.
Variant type: single nucleotide variant.
Coding change: c.607C>A on transcript NM_000424.4 (MANE Select); coding-DNA position 607, C replaced by A.
Protein change: p.Leu203Met; replaces leucine 203 with methionine.
Molecular consequence: missense variant.
Genome position (GRCh38, 1-based): chr12:52,519,109, G>T on the plus strand (C>A on the coding strand, the complement: KRT5 is on the minus strand). VCF-style: chr12-52519109-G-T. GRCh37 (hg19) VCF-style: chr12-52912893-G-T.
Other names: short protein forms L203M.
Identifiers: ClinVar variation 3721158 (VCV003721158.2).

ClinVar aggregate classification (germline): Uncertain significance (1 of 4 stars; one submission).

Submission:

Labcorp Genetics (formerly Invitae), Labcorp
Classification: Uncertain significance. Last evaluated: 2024-04-22. Review status: criteria provided, single submitter. Criteria: Invitae Variant Classification Sherloc (09022015). Collection method: clinical testing. Allele origin: germline.
Comment: This sequence change replaces leucine, which is neutral and non-polar, with methionine, which is neutral and non-polar, at codon 203 of the KRT5 protein (p.Leu203Met). This variant is not present in population databases (gnomAD no frequency). This missense change has been observed in individual(s) with autosomal dominant epidermolysis bullosa simplex (PMID: 26432462). Advanced modeling of protein sequence and biophysical properties (such as structural, functional, and spatial information, amino acid conservation, physicochemical variation, residue mobility, and thermodynamic stability) has been performed at Invitae for this missense variant, however the output from this modeling did not meet the statistical confidence thresholds required to predict the impact of this variant on KRT5 protein function. This variant disrupts the p.Leu203 amino acid residue in KRT5. Other variant(s) that disrupt this residue have been observed in individuals with KRT5-related conditions (PMID: 25473227), which suggests that this may be a clinically significant amino acid residue. In summary, the available evidence is currently insufficient to determine the role of this variant in disease. Therefore, it has been classified as a Variant of Uncertain Significance.

Literature cited by the submitters: PubMed 26432462; PubMed 25473227.